The following is an entry in ClinVar:

NM_003924.4(PHOX2B):c.546C>A (p.Asp182Glu)

Gene: PHOX2B (paired like homeobox 2B; minus strand). Cytogenetic location: 4p13.
Variant type: single nucleotide variant.
Coding change: c.546C>A on transcript NM_003924.4 (MANE Select); coding-DNA position 546, C replaced by A.
Protein change: p.Asp182Glu; replaces aspartic acid 182 with glutamic acid.
Molecular consequence: missense variant.
Genome position (GRCh38, 1-based): chr4:41,746,206, G>T on the plus strand (C>A on the coding strand, the complement: PHOX2B is on the minus strand). VCF-style: chr4-41746206-G-T. GRCh37 (hg19) VCF-style: chr4-41748223-G-T.
Other names: c.546C>A (NM_003924.3); short protein forms D182E.
Identifiers: ClinVar variation 1014722 (VCV001014722.9), dbSNP rs1733894646, ClinGen allele CA356738214.
Genomic context (GRCh38, chr4:41,746,206, plus strand): 5'-GGGATTGGGACCTGGGCCCCCAGTGCTGTCCGGGTCAGTGCTCTTGGCCTCTTTGCTCTC[G>T]TCGTCCCTGGAAGAGTCAGACTTTTTGCCCGAGGAGCCGTTCTTGGCCGCGGCCGCTGCG-3'
Protein context (NP_003915.2, residues 172-192): SGKKSDSSRD[Asp182Glu]ESKEAKSTDP

ClinVar aggregate classification (germline): Uncertain significance. Review status: criteria provided, multiple submitters, no conflicts (2 of 4 stars). 2 submissions from 2 submitters: Uncertain significance (2). Last evaluated 2026-07-07.

Conditions:
Hereditary cancer-predisposing syndrome. Also called: Tumor predisposition; Hereditary Cancer Syndrome; Hereditary neoplastic syndrome; Neoplastic Syndromes, Hereditary. Identifiers: Orphanet 140162, MedGen C0027672, MeSH D009386, MONDO:0015356.
Haddad syndrome (OHD). Also called: Ondine-Hirschsprung disease. Identifiers: Orphanet 99803, MedGen C1859049, MONDO:0020493.

Submissions (2):

Ambry Genetics
Classification: Uncertain significance for Hereditary cancer-predisposing syndrome. Last evaluated: 2026-07-07. Review status: criteria provided, single submitter. Criteria: Ambry Variant Classification Scheme 2023. Collection method: clinical testing. Allele origin: germline.
Comment: The p.D182E variant (also known as c.546C>A), located in coding exon 3 of the PHOX2B gene, results from a C to A substitution at nucleotide position 546. The aspartic acid at codon 182 is replaced by glutamic acid, an amino acid with highly similar properties. This amino acid position is conserved. In addition, this alteration is predicted to be tolerated by in silico analysis. Based on the available evidence, the clinical significance of this variant remains unclear.

Labcorp Genetics (formerly Invitae), Labcorp
Classification: Uncertain significance for Haddad syndrome. Last evaluated: 2020-08-19. Review status: criteria provided, single submitter. Criteria: Invitae Variant Classification Sherloc (09022015). Collection method: clinical testing. Allele origin: germline.
Comment: This sequence change replaces aspartic acid with glutamic acid at codon 182 of the PHOX2B protein (p.Asp182Glu). The aspartic acid residue is moderately conserved and there is a small physicochemical difference between aspartic acid and glutamic acid. This variant is not present in population databases (ExAC no frequency). This variant has not been reported in the literature in individuals with PHOX2B-related conditions. Algorithms developed to predict the effect of missense changes on protein structure and function are either unavailable or do not agree on the potential impact of this missense change (SIFT: "Tolerated"; PolyPhen-2: "Not Available"; Align-GVGD: "Class C0"). In summary, the available evidence is currently insufficient to determine the role of this variant in disease. Therefore, it has been classified as a Variant of Uncertain Significance.